The following is an entry in ClinVar:

ClinVar aggregate classification (germline): Uncertain significance (1 of 4 stars; one submission).

Submission:

Labcorp Genetics (formerly Invitae), Labcorp
Classification: Uncertain significance. Last evaluated: 2023-05-16. Review status: criteria provided, single submitter. Criteria: Invitae Variant Classification Sherloc (09022015). Collection method: clinical testing. Allele origin: germline.
Comment: This sequence change replaces proline, which is neutral and non-polar, with histidine, which is basic and polar, at codon 2193 of the NOTCH3 protein (p.Pro2193His). This variant is not present in population databases (gnomAD no frequency). This variant has not been reported in the literature in individuals affected with NOTCH3-related conditions. In summary, the available evidence is currently insufficient to determine the role of this variant in disease. Therefore, it has been classified as a Variant of Uncertain Significance. Advanced modeling of protein sequence and biophysical properties (such as structural, functional, and spatial information, amino acid conservation, physicochemical variation, residue mobility, and thermodynamic stability) performed at Invitae indicates that this missense variant is not expected to disrupt NOTCH3 protein function.

NM_000435.3(NOTCH3):c.6578C>A (p.Pro2193His)

Gene: NOTCH3 (notch receptor 3; minus strand). Cytogenetic location: 19p13.12.
Variant type: single nucleotide variant.
Coding change: c.6578C>A on transcript NM_000435.3 (MANE Select); coding-DNA position 6578, C replaced by A.
Protein change: p.Pro2193His; replaces proline 2193 with histidine.
Molecular consequence: missense variant.
Genome position (GRCh38, 1-based): chr19:15,161,050, G>T on the plus strand (C>A on the coding strand, the complement: NOTCH3 is on the minus strand). VCF-style: chr19-15161050-G-T. GRCh37 (hg19) VCF-style: chr19-15271861-G-T.
Other names: short protein forms P2193H.
Identifiers: ClinVar variation 2864971 (VCV002864971.3), dbSNP rs2046636997, ClinGen allele CA404487522.
Genomic context (GRCh38, chr19:15,161,050, plus strand): 5'-GCCAGGTAAGGCGGGGGCCGCTCCTGCGGGGAGACGGGGGTCCCTGGGTTGAGCAGCTGG[G>T]GTCCCGGCGCCAGTGGCAGCAGGAACGAGGGGCCTGGAGGGGCAGGTGGGGGCAGCCGGG-3'
Protein context (NP_000426.2, residues 2183-2203): PSFLLPLAPG[Pro2193His]QLLNPGTPVS